The following is an entry in ClinVar:

NC_000015.10:g.(?_44572663)_(44575061_?)del

Gene: SPG11 (SPG11 vesicle trafficking associated, spatacsin; minus strand). Cytogenetic location: 15q21.1.
Variant type: Deletion.
Identifiers: ClinVar variation 583568 (VCV000583568.5).

ClinVar aggregate classification (germline): Pathogenic (1 of 4 stars; one submission).

Conditions:
Hereditary spastic paraplegia 11. Also called: Spastic paraplegia, mental retardation and thin corpus callosum; SPASTIC PARAPLEGIA, AUTOSOMAL RECESSIVE, COMPLICATED, WITH THIN CORPUS CALLOSUM; SPASTIC PARAPLEGIA, AUTOSOMAL RECESSIVE, WITH MENTAL IMPAIRMENT AND THIN CORPUS CALLOSUM; Spastic Paraplegia 11; Nakamura Osame syndrome; Autosomal recessive hereditary spastic paraplegia, mental impairment, and thin corpus callosum. Identifiers: Orphanet 2822, MedGen C1858479, MONDO:0011445, OMIM 604360.

Submission:

Labcorp Genetics (formerly Invitae), Labcorp
Classification: Pathogenic for Hereditary spastic paraplegia 11. Last evaluated: 2021-09-15. Review status: criteria provided, single submitter. Criteria: Invitae Variant Classification Sherloc (09022015). Collection method: clinical testing. Allele origin: germline.
Comment: For these reasons, this variant has been classified as Pathogenic. The region of the SPG11 gene that includes exon(s) 33 has been determined to be clinically significant (PMID: 2223744, 21896784). Therefore, deletions that encompass that region are likely to be disease-causing. A similar copy number variant has been observed in individual(s) with spastic paraplegia (Invitae). This variant is a gross deletion of the genomic region encompassing exon(s) 31-33 of the SPG11 gene. This variant would be expected to be in-frame, preserving the integrity of the reading frame.

Literature cited by the submitters: PubMed 2223744; PubMed 21896784.